The following is an entry in ClinVar:

ClinVar aggregate classification (germline): Conflicting classifications of pathogenicity. Review status: criteria provided, conflicting classifications (1 of 4 stars). 2 submissions from 2 submitters: Likely pathogenic (1); Uncertain significance (1). Last evaluated 2026-03-09.

Conditions:
Long QT syndrome (LQTS). Identifiers: MedGen C0023976, MeSH D008133, MONDO:0002442. Disease mechanism: loss of function. Inheritance: Various modes of inheritance.
Cardiovascular phenotype. Identifiers: MedGen CN230736.

Submissions (2):

Ambry Genetics
Classification: Likely pathogenic for Cardiovascular phenotype. Last evaluated: 2026-03-09. Review status: criteria provided, single submitter. Criteria: Ambry Variant Classification Scheme 2023. Collection method: clinical testing. Allele origin: germline.
Comment: The p.G53C variant (also known as c.157G>T), located in coding exon 2 of the KCNH2 gene, results from a G to T substitution at nucleotide position 157. The glycine at codon 53 is replaced by cysteine, an amino acid with highly dissimilar properties. This variant was reported in individual(s) with features consistent with KCNH2-related long QT syndrome(Ambry internal data). Based on internal structural analysis, this alteration is located within the PAS domain of KCNH2 and is expected to disrupt trafficking and lead to deactivation of the potassium channel (Chen J et al. J. Biol. Chem., 1999 Apr;274:10113-8; Ambry internal data). This alteration is expected to be more disruptive than p.G53R, an alternate amino acid substitution at this position that has been reported in a patient with Long QT Syndrome Type 2 (LQT2), indicating this codon may be a hotspot location (Haraguchi Y et al. Circ. J., 2005 Jan;69:78-82). This amino acid position is highly conserved in available vertebrate species. In addition, this alteration is predicted to be deleterious by in silico analysis. This variant was not reported in population-based cohorts in the Genome Aggregation Database (gnomAD). Based on the majority of available evidence to date, this variant is likely to be pathogenic.

Labcorp Genetics (formerly Invitae), Labcorp
Classification: Uncertain significance for Long QT syndrome. Last evaluated: 2022-12-07. Review status: criteria provided, single submitter. Criteria: Invitae Variant Classification Sherloc (09022015). Collection method: clinical testing. Allele origin: germline.
Comment: This missense change has been observed in individual(s) with Long QT syndrome (Invitae). This variant is not present in population databases (gnomAD no frequency). This sequence change replaces glycine, which is neutral and non-polar, with cysteine, which is neutral and slightly polar, at codon 53 of the KCNH2 protein (p.Gly53Cys). ClinVar contains an entry for this variant (Variation ID: 1499003). In summary, the available evidence is currently insufficient to determine the role of this variant in disease. Therefore, it has been classified as a Variant of Uncertain Significance. This variant disrupts the p.Gly53 amino acid residue in KCNH2. Other variant(s) that disrupt this residue have been determined to be pathogenic (PMID: 10187793, 10973849, 21536673, 22396785). This suggests that this residue is clinically significant, and that variants that disrupt this residue are likely to be disease-causing. Algorithms developed to predict the effect of missense changes on protein structure and function are either unavailable or do not agree on the potential impact of this missense change (SIFT: "Deleterious"; PolyPhen-2: "Benign"; Align-GVGD: "Class C0").

Literature cited by the submitters: PubMed 10187793 (cited by Labcorp Genetics (formerly Invitae), Labcorp); PubMed 10973849 (cited by Labcorp Genetics (formerly Invitae), Labcorp); PubMed 21536673 (cited by Labcorp Genetics (formerly Invitae), Labcorp); PubMed 22396785 (cited by Labcorp Genetics (formerly Invitae), Labcorp).

NM_000238.4(KCNH2):c.157G>T (p.Gly53Cys)

Gene: KCNH2 (potassium voltage-gated channel subfamily H member 2; minus strand). Cytogenetic location: 7q36.1.
Variant type: single nucleotide variant.
Coding change: c.157G>T on transcript NM_000238.4 (MANE Select); coding-DNA position 157, G replaced by T.
Protein change: p.Gly53Cys; replaces glycine 53 with cysteine.
Molecular consequence: missense variant.
Genome position (GRCh38, 1-based): chr7:150,974,861, C>A on the plus strand (G>T on the coding strand, the complement: KCNH2 is on the minus strand). VCF-style: chr7-150974861-C-A. GRCh37 (hg19) VCF-style: chr7-150671949-C-A.
Other names: c.-21G>T (NM_001406755.1); c.157G>T, p.Gly53Cys (NM_172056.3); short protein forms G53C.
Identifiers: ClinVar variation 1499003 (VCV001499003.12), dbSNP rs199472842, ClinGen allele CA369865785.
Genomic context (GRCh38, chr7:150,974,861, plus strand): 5'-GCGGCCCGTGCAGGAAGTCGCAGGTGCAGGGTCGCTGCATCACCTCGGCCCGCGAGTAGC[C>A]GCACAGCTCGCAGAAGCCGTCGTTGCAGTAGATGACGGCGCAGTTCTCCACCCGAGCGTT-3'
Protein context (NP_000229.1, residues 43-63): YCNDGFCELC[Gly53Cys]YSRAEVMQRP